The following is an entry in ClinVar:

NM_015261.3(NCAPD3):c.921A>G (p.Ile307Met)

Gene: NCAPD3 (non-SMC condensin II complex subunit D3; minus strand). Cytogenetic location: 11q25.
Variant type: single nucleotide variant.
Coding change: c.921A>G on transcript NM_015261.3 (MANE Select); coding-DNA position 921, A replaced by G.
Protein change: p.Ile307Met; replaces isoleucine 307 with methionine.
Molecular consequence: missense variant.
Genome position (GRCh38, 1-based): chr11:134,206,694, T>C on the plus strand (A>G on the coding strand, the complement: NCAPD3 is on the minus strand). VCF-style: chr11-134206694-T-C. GRCh37 (hg19) VCF-style: chr11-134076589-T-C.
Other names: c.507A>G, p.Ile169Met (NM_001372070.1, NM_001372069.1); c.921A>G, p.Ile307Met (NM_001372065.1, NM_001372068.1); short protein forms I169M, I307M.
Identifiers: ClinVar variation 3039550 (VCV003039550.9), dbSNP rs75166696, ClinGen allele CA6371844.

ClinVar aggregate classification (germline): Likely benign. Review status: criteria provided, single submitter (1 of 4 stars). 2 submissions from 2 submitters: Likely benign (1). 1 of the submissions does not count toward it. Last evaluated 2025-09-01.

Conditions:
NCAPD3-related disorder. Also called: NCAPD3-related condition.

Allele frequency attached by ClinVar (database versions not stated): ESP Exome Variant Server 0.00008; gnomAD exomes 0.00037; TOPMed 0.00046; gnomAD 0.00048; ExAC 0.00102; 1000 Genomes Project 30x 0.00344; 1000 Genomes Project 0.00379.
gnomAD v4.1: 627 of 1,612,000 alleles (0.039%); highest among the groups gnomAD compares: East Asian, 1.3%; 6 homozygotes.

Submissions (2):

CeGaT Center for Human Genetics Tuebingen
Classification: Likely benign. Last evaluated: 2025-09-01. Review status: criteria provided, single submitter. Criteria: CeGaT Center For Human Genetics Tuebingen Variant Classification Criteria Version 2. Collection method: clinical testing. Allele origin: germline. Affected: yes. Observed: 1 variant allele.
Comment: NCAPD3: BS1

PreventionGenetics, part of Exact Sciences
Classification: Benign for NCAPD3-related condition. Last evaluated: 2019-05-22. Review status: no assertion criteria provided. Collection method: clinical testing. Allele origin: germline. Not counted in ClinVar's aggregate classification.
Comment: This variant is classified as benign based on ACMG/AMP sequence variant interpretation guidelines (Richards et al. 2015 PMID: 25741868, with internal and published modifications).